The following is an entry in ClinVar:

ClinVar aggregate classification (germline): Pathogenic (1 of 4 stars; one submission).

Conditions:
Early-infantile DEE. Also called: Early infantile epileptic encephalopathy with suppression bursts; Early infantile epileptic encephalopathy; Ohtahara syndrome. Identifiers: Orphanet 1934, MedGen C0393706, MONDO:0800491.

Submission:

Labcorp Genetics (formerly Invitae), Labcorp
Classification: Pathogenic for Early-infantile DEE. Last evaluated: 2025-04-22. Review status: criteria provided, single submitter. Criteria: Invitae Variant Classification Sherloc (09022015). Collection method: clinical testing. Allele origin: germline.
Comment: This sequence change affects a donor splice site in intron 12 of the SCN1A gene. It is expected to disrupt RNA splicing. Variants that disrupt the donor or acceptor splice site typically lead to a loss of protein function (PMID: 16199547), and loss-of-function variants in SCN1A are known to be pathogenic (PMID: 17347258, 18930999). This variant is not present in population databases (gnomAD no frequency). Disruption of this splice site has been observed in individual(s) with clinical features of SCN1A-related conditions (PMID: 23762420, 31302675). In at least one individual the variant was observed to be de novo. ClinVar contains an entry for this variant (Variation ID: 1361310). Algorithms developed to predict the effect of sequence changes on RNA splicing suggest that this variant may disrupt the consensus splice site. For these reasons, this variant has been classified as Pathogenic.

Literature cited by the submitters: PubMed 16199547; PubMed 17347258; PubMed 18930999; PubMed 23762420; PubMed 31302675.

NM_001165963.4(SCN1A):c.2176+1G>T

Gene: SCN1A (sodium voltage-gated channel alpha subunit 1; minus strand). Cytogenetic location: 2q24.3.
Variant type: single nucleotide variant.
Coding change: c.2176+1G>T on transcript NM_001165963.4 (MANE Select); the canonical splice donor site of the intron after coding-DNA position 2176, G replaced by T.
Molecular consequence: splice donor variant.
Genome position (GRCh38, 1-based): chr2:166,042,291, C>A on the plus strand (G>T on the coding strand, the complement: SCN1A is on the minus strand). VCF-style: chr2-166042291-C-A. GRCh37 (hg19) VCF-style: chr2-166898801-C-A.
Other names: c.2143+1G>T (NM_001353949.2, NM_001353950.2, NM_001353951.2 and 2 more transcripts); c.2092+1G>T (NM_001353958.2, NM_001353957.2, NM_001165964.3); c.2176+1G>T (NM_001202435.3, NM_001353948.2); c.2140+1G>T (NM_001353955.2, NM_001353954.2); c.2089+1G>T (NM_001353960.2); c.-283+1G>T (NM_001353961.2).
Identifiers: ClinVar variation 1361310 (VCV001361310.9), dbSNP rs2105834651, ClinGen allele CA349065518.